The following is an entry in ClinVar:

NM_000530.8(MPZ):c.374T>C (p.Phe125Ser)

Gene: MPZ (myelin protein zero; minus strand). Cytogenetic location: 1q23.3.
Variant type: single nucleotide variant.
Coding change: c.374T>C on transcript NM_000530.8 (MANE Select); coding-DNA position 374, T replaced by C.
Protein change: p.Phe125Ser; replaces phenylalanine 125 with serine.
Molecular consequence: missense variant.
Genome position (GRCh38, 1-based): chr1:161,306,782, A>G on the plus strand (T>C on the coding strand, the complement: MPZ is on the minus strand). VCF-style: chr1-161306782-A-G. GRCh37 (hg19) VCF-style: chr1-161276572-A-G.
Other names: c.374T>C, p.Phe125Ser (NM_001315491.2); short protein forms F125S.
Identifiers: ClinVar variation 2095748 (VCV002095748.4), dbSNP rs2526238155, ClinGen allele CA343348958.

ClinVar aggregate classification (germline): Uncertain significance (1 of 4 stars; one submission).

Conditions:
Charcot-Marie-Tooth disease, type I (CMT1). Also called: Charcot-Marie-Tooth, Type 1; Charcot-Marie-Tooth disease type 1. Identifiers: Orphanet 65753, MedGen C0751036, MONDO:0019011.

Submission:

Labcorp Genetics (formerly Invitae), Labcorp
Classification: Uncertain significance for Charcot-Marie-Tooth disease, type I. Last evaluated: 2024-01-31. Review status: criteria provided, single submitter. Criteria: Invitae Variant Classification Sherloc (09022015). Collection method: clinical testing. Allele origin: germline.
Comment: This sequence change replaces phenylalanine, which is neutral and non-polar, with serine, which is neutral and polar, at codon 125 of the MPZ protein (p.Phe125Ser). This variant is not present in population databases (gnomAD no frequency). This variant has not been reported in the literature in individuals affected with MPZ-related conditions. ClinVar contains an entry for this variant (Variation ID: 2095748). Advanced modeling of protein sequence and biophysical properties (such as structural, functional, and spatial information, amino acid conservation, physicochemical variation, residue mobility, and thermodynamic stability) performed at Invitae indicates that this missense variant is expected to disrupt MPZ protein function with a positive predictive value of 80%. In summary, the available evidence is currently insufficient to determine the role of this variant in disease. Therefore, it has been classified as a Variant of Uncertain Significance.